The following is an entry in ClinVar:

ClinVar aggregate classification (germline): Uncertain significance. Review status: criteria provided, multiple submitters, no conflicts (2 of 4 stars). 2 submissions from 2 submitters: Uncertain significance (2). Last evaluated 2022-06-30.

Conditions:
Inborn genetic diseases. Identifiers: MedGen C0950123, MeSH D030342.

Submissions (2):

Labcorp Genetics (formerly Invitae), Labcorp
Classification: Uncertain significance. Last evaluated: 2022-06-30. Review status: criteria provided, single submitter. Criteria: Invitae Variant Classification Sherloc (09022015). Collection method: clinical testing. Allele origin: germline.
Comment: This sequence change replaces glutamic acid, which is acidic and polar, with aspartic acid, which is acidic and polar, at codon 2122 of the VCAN protein (p.Glu2122Asp). This variant is not present in population databases (gnomAD no frequency). This variant has not been reported in the literature in individuals affected with VCAN-related conditions. Algorithms developed to predict the effect of missense changes on protein structure and function output the following: SIFT: "Tolerated"; PolyPhen-2: "Benign"; Align-GVGD: "Class C0". The aspartic acid amino acid residue is found in multiple mammalian species, which suggests that this missense change does not adversely affect protein function. In summary, the available evidence is currently insufficient to determine the role of this variant in disease. Therefore, it has been classified as a Variant of Uncertain Significance.

Ambry Genetics
Classification: Uncertain significance for Inborn genetic diseases. Last evaluated: 2021-07-09. Review status: criteria provided, single submitter. Criteria: Ambry Variant Classification Scheme 2023. Collection method: clinical testing. Allele origin: germline.

NM_004385.5(VCAN):c.6366A>T (p.Glu2122Asp)

Genes: VCAN (versican; plus strand), VCAN-AS1 (VCAN antisense RNA 1; minus strand). Cytogenetic location: 5q14.3.
Variant type: single nucleotide variant.
Coding change: c.6366A>T on transcript NM_004385.5 (MANE Select); coding-DNA position 6366, A replaced by T.
Protein change: p.Glu2122Asp; replaces glutamic acid 2122 with aspartic acid.
Molecular consequence: missense variant. On other transcripts: intron variant (2).
Genome position (GRCh38, 1-based): chr5:83,539,369, A>T. VCF-style: chr5-83539369-A-T. GRCh37 (hg19) VCF-style: chr5-82835188-A-T.
Other names: c.3405A>T, p.Glu1135Asp (NM_001164097.2); c.4004-6168A>T (NM_001164098.2); c.1043-6168A>T (NM_001126336.3); short protein forms E1135D, E2122D.
Identifiers: ClinVar variation 2012521 (VCV002012521.5), dbSNP rs2479113355, ClinGen allele CA360312399.